The following is an entry in ClinVar:

ClinVar aggregate classification (germline): Uncertain significance (1 of 4 stars; one submission).

Conditions:
CHAMP1-related disorder. Also called: CHAMP1-related condition.

Submission:

PreventionGenetics, part of Exact Sciences
Classification: Uncertain significance for CHAMP1-related condition. Last evaluated: 2023-03-09. Review status: criteria provided, single submitter. Criteria: ACMG Guidelines, 2015. Collection method: clinical testing. Allele origin: germline.
Comment: The CHAMP1 c.1211_1213delTGT variant is predicted to result in an in-frame deletion (p.Leu404del). To our knowledge, this variant has not been reported in the literature. This variant is reported in 0.0026% of alleles in individuals of European (Non-Finnish) descent in gnomAD. At this time, the clinical significance of this variant is uncertain due to the absence of conclusive functional and genetic evidence.

NM_032436.4(CHAMP1):c.1211_1213del (p.Leu404del)

Gene: CHAMP1 (chromosome alignment maintaining phosphoprotein 1; plus strand). Cytogenetic location: 13q34.
Variant type: Deletion.
Coding change: c.1211_1213del on transcript NM_032436.4 (MANE Select); coding-DNA positions 1211 to 1213, 3 bases deleted (TGT; older notation c.1211_1213delTGT).
Protein change: p.Leu404del; deletes leucine 404.
Molecular consequence: inframe deletion.
Genome position (GRCh38, 1-based): chr13:114,325,053-114,325,055, TGT deleted; deleting any 3 consecutive bases within chr13:114,325,051-114,325,055 gives the same sequence; the c. name uses the placement nearest the transcript's 3' end. VCF-style (leftmost placement, unchanged base first): chr13-114325050-CGTT-C. GRCh37 (hg19) VCF-style: chr13-115090525-CGTT-C.
Other names: c.1211_1213del, p.Leu404del (NM_001164144.3, NM_001164145.3); short protein forms L404del.
Identifiers: ClinVar variation 2634193 (VCV002634193.1), dbSNP rs781917636, ClinGen allele CA7070764.